The following is an entry in ClinVar:

NM_024753.5(TTC21B):c.1001del (p.Met334fs)

Gene: TTC21B (tetratricopeptide repeat domain 21B; minus strand). Cytogenetic location: 2q24.3.
Variant type: Deletion.
Coding change: c.1001del on transcript NM_024753.5 (MANE Select); coding-DNA position 1001, one base deleted (T; older notation c.1001delT).
Protein change: p.Met334fs; shifts the reading frame from methionine 334.
Molecular consequence: frameshift variant.
Genome position (GRCh38, 1-based): chr2:165,930,258, A deleted on the plus strand (T on the coding strand, the reverse complement: TTC21B is on the minus strand). VCF-style (leftmost placement, unchanged base first): chr2-165930257-CA-C. GRCh37 (hg19) VCF-style: chr2-166786767-CA-C.
Other names: short protein forms M334fs.
Identifiers: ClinVar variation 2953237 (VCV002953237.3), dbSNP rs2468212452, ClinGen allele CA2740095826.

ClinVar aggregate classification (germline): Pathogenic (1 of 4 stars; one submission).

Conditions:
Jeune thoracic dystrophy. Also called: Jeune syndrome; Short-rib thoracic dysplasia; Infantile thoracic dystrophy; Thoracic pelvic phalangeal dystrophy; Jeune's syndrome; Chondroectodermal dysplasia-like syndrome. Identifiers: Orphanet 474, MedGen C0265275, MONDO:0018770.
Nephronophthisis. Also called: Juvenile Nephronophthisis. Identifiers: Orphanet 655, MedGen C0687120, MONDO:0019005, HP:0000090.

Submission:

Labcorp Genetics (formerly Invitae), Labcorp
Classification: Pathogenic for Jeune thoracic dystrophy; Nephronophthisis. Last evaluated: 2023-10-23. Review status: criteria provided, single submitter. Criteria: Invitae Variant Classification Sherloc (09022015). Collection method: clinical testing. Allele origin: germline.
Comment: This sequence change creates a premature translational stop signal (p.Met334Argfs*11) in the TTC21B gene. It is expected to result in an absent or disrupted protein product. Loss-of-function variants in TTC21B are known to be pathogenic (PMID: 18327258, 21068128, 21258341, 23559409, 24876116, 25492405, 27491411, 29068549). This variant is not present in population databases (gnomAD no frequency). This variant has not been reported in the literature in individuals affected with TTC21B-related conditions. For these reasons, this variant has been classified as Pathogenic.

Literature cited by the submitters: PubMed 18327258; PubMed 21068128; PubMed 21258341; PubMed 23559409; PubMed 24876116; PubMed 25492405; PubMed 27491411; PubMed 29068549.